The following is an entry in ClinVar:

NM_130468.4(CHST14):c.71G>T (p.Arg24Leu)

Genes: CHST14 (carbohydrate sulfotransferase 14; plus strand), LOC130056851 (ATAC-STARR-seq lymphoblastoid silent region 6336; plus strand). Cytogenetic location: 15q15.1.
Variant type: single nucleotide variant.
Coding change: c.71G>T on transcript NM_130468.4 (MANE Select); coding-DNA position 71, G replaced by T.
Protein change: p.Arg24Leu; replaces arginine 24 with leucine.
Molecular consequence: missense variant.
Genome position (GRCh38, 1-based): chr15:40,471,284, G>T. VCF-style: chr15-40471284-G-T. GRCh37 (hg19) VCF-style: chr15-40763483-G-T.
Other names: short protein forms R24L.
Identifiers: ClinVar variation 1757659 (VCV001757659.2), dbSNP rs1212423691, ClinGen allele CA391762062.

ClinVar aggregate classification (germline): Uncertain significance (1 of 4 stars; one submission).

Conditions:
Cardiovascular phenotype. Identifiers: MedGen CN230736.

Submission:

Ambry Genetics
Classification: Uncertain significance for Cardiovascular phenotype. Last evaluated: 2021-11-09. Review status: criteria provided, single submitter. Criteria: Ambry Variant Classification Scheme 2023. Collection method: clinical testing. Allele origin: germline.
Comment: The p.R24L variant (also known as c.71G>T), located in coding exon 1 of the CHST14 gene, results from a G to T substitution at nucleotide position 71. The arginine at codon 24 is replaced by leucine, an amino acid with dissimilar properties. This amino acid position is conserved. In addition, the in silico prediction for this alteration is inconclusive. Since supporting evidence is limited at this time, the clinical significance of this alteration remains unclear.